The following is an entry in ClinVar:

NM_000136.3(FANCC):c.272T>C (p.Ile91Thr)

Gene: FANCC (FA complementation group C; minus strand). Cytogenetic location: 9q22.32.
Variant type: single nucleotide variant.
Coding change: c.272T>C on transcript NM_000136.3 (MANE Select); coding-DNA position 272, T replaced by C.
Protein change: p.Ile91Thr; replaces isoleucine 91 with threonine.
Molecular consequence: missense variant.
Genome position (GRCh38, 1-based): chr9:95,240,722, A>G on the plus strand (T>C on the coding strand, the complement: FANCC is on the minus strand). VCF-style: chr9-95240722-A-G. GRCh37 (hg19) VCF-style: chr9-98003004-A-G.
Other names: p.I91T:ATA>ACA; c.272T>C, p.Ile91Thr (NM_001243743.2, NM_001243744.2); short protein forms I91T.
Identifiers: ClinVar variation 182496 (VCV000182496.3), dbSNP rs730881730, ClinGen allele CA299215.

ClinVar aggregate classification (germline): Uncertain significance. Review status: criteria provided, multiple submitters, no conflicts (2 of 4 stars). 2 submissions from 2 submitters: Uncertain significance (2). Last evaluated 2025-12-30.

Conditions:
Hereditary cancer-predisposing syndrome. Also called: Tumor predisposition; Hereditary neoplastic syndrome; Neoplastic Syndromes, Hereditary; Hereditary Cancer Syndrome. Identifiers: Orphanet 140162, MedGen C0027672, MeSH D009386, MONDO:0015356.

Submissions (2):

Ambry Genetics
Classification: Uncertain significance for Hereditary cancer-predisposing syndrome. Last evaluated: 2025-12-30. Review status: criteria provided, single submitter. Criteria: Ambry Variant Classification Scheme 2023. Collection method: clinical testing. Allele origin: germline.
Comment: The p.I91T variant (also known as c.272T>C), located in coding exon 3 of the FANCC gene, results from a T to C substitution at nucleotide position 272. The isoleucine at codon 91 is replaced by threonine, an amino acid with similar properties. This amino acid position is conserved. In addition, this alteration is predicted to be tolerated by in silico analysis. Based on the available evidence, the clinical significance of this variant remains unclear.

GeneDx
Classification: Uncertain significance. Last evaluated: 2014-10-20. Review status: criteria provided, single submitter. Criteria: GeneDx Variant Classification (06012015). Collection method: clinical testing. Allele origin: germline. Affected: yes.
Comment: This variant is denoted FANCC c.272T>C at the cDNA level, p.Ile91Thr (I91T) at the protein level, and results in the change of an Isoleucine to a Threonine (ATA>ACA). This variant has not, to our knowledge, been published in the literature as pathogenic or benign. FANCC Ile91Thr was not observed in approximately 6,500 individuals of European and African American ancestry in the NHLBI Exome Sequencing Project, indicating it is not a common benign variant in these populations. Since Isoleucine and Threonine differ in polarity, charge, size or other properties, this is considered a non-conservative amino acid substitution. FANCC Ile91Thr occurs at a position that is conserved through most placental mammals and is located within a domain responsible for interaction with NADPH-cytochrome P450 reductase (Gordon & Buchwald). In silico analyses predict that this variant is unlikely to alter protein structure or function. Based on currently available information, it is unclear whether FANCC Ile91Thr is pathogenic or benign. We consider it to be a variant of uncertain significance.